The following is an entry in ClinVar:

NM_005546.4(ITK):c.1618G>A (p.Asp540Asn)

Gene: ITK (IL2 inducible T cell kinase; plus strand). Cytogenetic location: 5q33.3.
Variant type: single nucleotide variant.
Coding change: c.1618G>A on transcript NM_005546.4 (MANE Select); coding-DNA position 1618, G replaced by A.
Protein change: p.Asp540Asn; replaces aspartic acid 540 with asparagine.
Molecular consequence: missense variant.
Genome position (GRCh38, 1-based): chr5:157,245,984, G>A. VCF-style: chr5-157245984-G-A. GRCh37 (hg19) VCF-style: chr5-156672994-G-A.
Other names: short protein forms D540N.
Identifiers: ClinVar variation 1061376 (VCV001061376.9), dbSNP rs886713435, ClinGen allele CA130160607.

ClinVar aggregate classification (germline): Uncertain significance (1 of 4 stars; one submission).

Conditions:
Lymphoproliferative syndrome 1 (LPFS1). Identifiers: Orphanet 238505, Orphanet 538963, MedGen C3552634, MONDO:0013081, OMIM 613011.

Allele frequency attached by ClinVar (database versions not stated): gnomAD exomes below 0.00001 and 0.00001.
gnomAD v4.1: 13 of 1,611,556 alleles (0.00081%); highest among the groups gnomAD compares: South Asian, 0.0011%; no homozygotes.

Submission:

Labcorp Genetics (formerly Invitae), Labcorp
Classification: Uncertain significance for Lymphoproliferative syndrome 1. Last evaluated: 2025-10-01. Review status: criteria provided, single submitter. Criteria: Invitae Variant Classification Sherloc (09022015). Collection method: clinical testing. Allele origin: germline.
Comment: This sequence change replaces aspartic acid, which is acidic and polar, with asparagine, which is neutral and polar, at codon 540 of the ITK protein (p.Asp540Asn). This variant is present in population databases (no rsID available, gnomAD 0.003%). This missense change has been observed in individual(s) with ITK deficiency (PMID: 31507602). ClinVar contains an entry for this variant (Variation ID: 1061376). Invitae Evidence Modeling of protein sequence and biophysical properties (such as structural, functional, and spatial information, amino acid conservation, physicochemical variation, residue mobility, and thermodynamic stability) indicates that this missense variant is expected to disrupt ITK protein function with a positive predictive value of 80%. In summary, the available evidence is currently insufficient to determine the role of this variant in disease. Therefore, it has been classified as a Variant of Uncertain Significance.

Literature cited by the submitters: PubMed 31507602.